The following is an entry in ClinVar:

NM_004655.4(AXIN2):c.2183C>A (p.Ala728Asp)

Gene: AXIN2 (axin 2; minus strand). Cytogenetic location: 17q24.1.
Variant type: single nucleotide variant.
Coding change: c.2183C>A on transcript NM_004655.4 (MANE Select); coding-DNA position 2183, C replaced by A.
Protein change: p.Ala728Asp; replaces alanine 728 with aspartic acid.
Molecular consequence: missense variant.
Genome position (GRCh38, 1-based): chr17:65,535,680, G>T on the plus strand (C>A on the coding strand, the complement: AXIN2 is on the minus strand). VCF-style: chr17-65535680-G-T. GRCh37 (hg19) VCF-style: chr17-63531798-G-T.
Other names: c.1988C>A, p.Ala663Asp (NM_001363813.1); short protein forms A728D, A663D.
Identifiers: ClinVar variation 5032548 (VCV005032548.1).

ClinVar aggregate classification (germline): Uncertain significance (1 of 4 stars; one submission).

Conditions:
Hereditary cancer-predisposing syndrome. Also called: Neoplastic Syndromes, Hereditary; Tumor predisposition; Hereditary neoplastic syndrome; Hereditary Cancer Syndrome. Identifiers: Orphanet 140162, MedGen C0027672, MeSH D009386, MONDO:0015356.

Submission:

Ambry Genetics
Classification: Uncertain significance for Hereditary cancer-predisposing syndrome. Last evaluated: 2026-07-06. Review status: criteria provided, single submitter. Criteria: Ambry Variant Classification Scheme 2023. Collection method: clinical testing. Allele origin: germline.
Comment: The p.A728D variant (also known as c.2183C>A), located in coding exon 8 of the AXIN2 gene, results from a C to A substitution at nucleotide position 2183. The alanine at codon 728 is replaced by aspartic acid, an amino acid with dissimilar properties. This amino acid position is conserved. In addition, this alteration is predicted to be tolerated by in silico analysis. Based on the available evidence, the clinical significance of this variant remains unclear.